The following is an entry in ClinVar:

NM_001134665.3(TRMT10A):c.337A>G (p.Met113Val)

Gene: TRMT10A (tRNA methyltransferase 10A; minus strand). Cytogenetic location: 4q23.
Variant type: single nucleotide variant.
Coding change: c.337A>G on transcript NM_001134665.3 (MANE Select); coding-DNA position 337, A replaced by G.
Protein change: p.Met113Val; replaces methionine 113 with valine.
Molecular consequence: missense variant.
Genome position (GRCh38, 1-based): chr4:99,558,060, T>C on the plus strand (A>G on the coding strand, the complement: TRMT10A is on the minus strand). VCF-style: chr4-99558060-T-C. GRCh37 (hg19) VCF-style: chr4-100479217-T-C.
Other names: c.337A>G (NM_152292.4); c.337A>G, p.Met113Val (NM_001134666.3, NM_001375880.1, NM_001375881.1 and 2 more transcripts); short protein forms M113V.
Identifiers: ClinVar variation 1441249 (VCV001441249.9), dbSNP rs373845087, ClinGen allele CA3021577.
Genomic context (GRCh38, chr4:99,558,060, plus strand): 5'-ATTCGACCTAATTCACATACAAGATTTTTCTGACAATGATTCATGATACCTTTAATACCA[T>C]CAAGTGATCAAAACTACAGTCAATAATAAGGCGAAGGGTGCTATGAACAACATCTCTTCG-3'
Protein context (NP_001128137.1, residues 103-123): LIIDCSFDHL[Met113Val]VLKDIKKLHK

ClinVar aggregate classification (germline): Uncertain significance. Review status: criteria provided, multiple submitters, no conflicts (2 of 4 stars). 2 submissions from 2 submitters: Uncertain significance (2). Last evaluated 2024-10-30.

Conditions:
Inborn genetic diseases. Identifiers: MedGen C0950123, MeSH D030342.

Allele frequency attached by ClinVar (database versions not stated): gnomAD 0.00001; gnomAD exomes 0.00001; TOPMed 0.00002; ExAC 0.00003; ESP Exome Variant Server 0.00008.

Submissions (2):

Labcorp Genetics (formerly Invitae), Labcorp
Classification: Uncertain significance. Last evaluated: 2024-10-30. Review status: criteria provided, single submitter. Criteria: Invitae Variant Classification Sherloc (09022015). Collection method: clinical testing. Allele origin: germline.
Comment: This sequence change replaces methionine, which is neutral and non-polar, with valine, which is neutral and non-polar, at codon 113 of the TRMT10A protein (p.Met113Val). This variant is present in population databases (rs373845087, gnomAD 0.003%). This variant has not been reported in the literature in individuals affected with TRMT10A-related conditions. ClinVar contains an entry for this variant (Variation ID: 1441249). Invitae Evidence Modeling of protein sequence and biophysical properties (such as structural, functional, and spatial information, amino acid conservation, physicochemical variation, residue mobility, and thermodynamic stability) indicates that this missense variant is expected to disrupt TRMT10A protein function with a positive predictive value of 80%. In summary, the available evidence is currently insufficient to determine the role of this variant in disease. Therefore, it has been classified as a Variant of Uncertain Significance.

Ambry Genetics
Classification: Uncertain significance for Inborn genetic diseases. Last evaluated: 2023-02-23. Review status: criteria provided, single submitter. Criteria: Ambry Variant Classification Scheme 2023. Collection method: clinical testing. Allele origin: germline.